The following is an entry in ClinVar:

NM_032259.4(WDR24):c.1626_1627del (p.Val543fs)

Gene: WDR24 (WD repeat domain 24; minus strand). Cytogenetic location: 16p13.3.
Variant type: Deletion.
Coding change: c.1626_1627del on transcript NM_032259.4 (MANE Select); coding-DNA positions 1626 to 1627, 2 bases deleted (CG; older notation c.1626_1627delCG).
Protein change: p.Val543fs; shifts the reading frame from valine 543.
Molecular consequence: frameshift variant.
Genome position (GRCh38, 1-based): chr16:685,730-685,731, CG deleted on the plus strand (CG on the coding strand, the reverse complement: WDR24 is on the minus strand). VCF-style (leftmost placement, unchanged base first): chr16-685729-ACG-A. GRCh37 (hg19) VCF-style: chr16-735729-ACG-A.
Other names: c.1626_1627delCG, p.Val543Glyfs (NM_001303027.1); short protein forms V543fs.
Identifiers: ClinVar variation 2672123 (VCV002672123.1), dbSNP rs2543854335, ClinGen allele CA2695197381.

ClinVar aggregate classification (germline): Uncertain significance (1 of 4 stars; one submission).

Submission:

Clinical Genomics Laboratory, Washington University in St. Louis
Classification: Uncertain significance. Last evaluated: 2023-09-05. Review status: criteria provided, single submitter. Criteria: ACMG Guidelines, 2015. Collection method: clinical testing. Allele origin: germline.
Comment: The WDR24 c.1626_1627del (p.Val543GlyfsTer3) variant, to our knowledge, has not been reported in the medical literature and is absent from the general population (gnomAD v.2.1.1), indicating it is not a common variant. This variant causes a frameshift by deleting two nucleotides, leading to a premature termination codon, which is predicted to lead to nonsense mediated decay. Due to limited information, the clinical significance of this variant is uncertain.